The following is an entry in ClinVar:

NM_018896.5(CACNA1G):c.1672C>G (p.His558Asp)

Gene: CACNA1G (calcium voltage-gated channel subunit alpha1 G; plus strand). Cytogenetic location: 17q21.33.
Variant type: single nucleotide variant.
Coding change: c.1672C>G on transcript NM_018896.5 (MANE Select); coding-DNA position 1672, C replaced by G.
Protein change: p.His558Asp; replaces histidine 558 with aspartic acid.
Molecular consequence: missense variant. On other transcripts: non-coding transcript variant (5).
Genome position (GRCh38, 1-based): chr17:50,576,074, C>G. VCF-style: chr17-50576074-C-G. GRCh37 (hg19) VCF-style: chr17-48653435-C-G.
Other names: c.1672C>G, p.His558Asp (NM_001256324.2, NM_001256325.2, NM_001256326.2 and 24 more transcripts); short protein forms H558D.
Identifiers: ClinVar variation 3376044 (VCV003376044.1).

ClinVar aggregate classification (germline): Uncertain significance (1 of 4 stars; one submission).

Submission:

GeneDx
Classification: Uncertain significance. Last evaluated: 2024-05-02. Review status: criteria provided, single submitter. Criteria: GeneDx Variant Classification Process June 2021. Collection method: clinical testing. Allele origin: germline. Affected: yes.
Comment: Not observed at significant frequency in large population cohorts (gnomAD); In silico analysis supports that this missense variant has a deleterious effect on protein structure/function; Has not been previously published as pathogenic or benign to our knowledge